The following is an entry in ClinVar:

ClinVar aggregate classification (germline): Uncertain significance (1 of 4 stars; one submission).

Allele frequency attached by ClinVar (database versions not stated): gnomAD exomes below 0.00001.
gnomAD v4.1: 5 of 1,613,996 alleles (0.00031%); highest among the groups gnomAD compares: Non-Finnish European, 0.00042%; no homozygotes.

Submission:

GeneDx
Classification: Uncertain significance. Last evaluated: 2024-05-15. Review status: criteria provided, single submitter. Criteria: GeneDx Variant Classification Process June 2021. Collection method: clinical testing. Allele origin: germline.
Comment: Not observed at significant frequency in large population cohorts (gnomAD); In silico analysis indicates that this missense variant does not alter protein structure/function; Has not been previously published as pathogenic or benign to our knowledge

NM_001134407.3(GRIN2A):c.1211A>G (p.Asn404Ser)

Gene: GRIN2A (glutamate ionotropic receptor NMDA type subunit 2A; minus strand). Cytogenetic location: 16p13.2.
Variant type: single nucleotide variant.
Coding change: c.1211A>G on transcript NM_001134407.3 (MANE Select); coding-DNA position 1211, A replaced by G.
Protein change: p.Asn404Ser; replaces asparagine 404 with serine.
Molecular consequence: missense variant.
Genome position (GRCh38, 1-based): chr16:9,849,873, T>C on the plus strand (A>G on the coding strand, the complement: GRIN2A is on the minus strand). VCF-style: chr16-9849873-T-C. GRCh37 (hg19) VCF-style: chr16-9943730-T-C.
Other names: c.1211A>G, p.Asn404Ser (NM_000833.5, NM_001134408.2); short protein forms N404S.
Identifiers: ClinVar variation 2428995 (VCV002428995.4), dbSNP rs773990289, ClinGen allele CA278182629.
Genomic context (GRCh38, chr16:9,849,873, plus strand): 5'-GGGTCTATGTCTTCCACGATGACGAATGGGGCCTCCTCCAGGGTGACGATGCTGAGATGG[T>C]TGTCATCCGGCTCACAGTCGGAGAAGGACTTGTACCTGGGCCACACGGCGTGCCTCAGGC-3'
Protein context (NP_001127879.1, residues 394-414): KSFSDCEPDD[Asn404Ser]HLSIVTLEEA